The following is an entry in ClinVar:

NM_177438.3(DICER1):c.3041T>G (p.Leu1014Ter)

Gene: DICER1 (dicer 1, ribonuclease III; minus strand). Cytogenetic location: 14q32.13.
Variant type: single nucleotide variant.
Coding change: c.3041T>G on transcript NM_177438.3 (MANE Select); coding-DNA position 3041, T replaced by G.
Protein change: p.Leu1014Ter; replaces leucine 1014 with a stop codon.
Molecular consequence: nonsense. On other transcripts: non-coding transcript variant (6).
Genome position (GRCh38, 1-based): chr14:95,105,730, A>C on the plus strand (T>G on the coding strand, the complement: DICER1 is on the minus strand). VCF-style: chr14-95105730-A-C. GRCh37 (hg19) VCF-style: chr14-95572067-A-C.
Other names: p.(Leu1014*); c.3041T>G, p.Leu1014Ter (NM_001195573.1, NM_001271282.3, NM_001291628.2 and 12 more transcripts); c.2759T>G, p.Leu920Ter (NM_001395686.1); c.2636T>G, p.Leu879Ter (NM_001395687.1, NM_001395688.1, NM_001395689.1 and 2 more transcripts); c.2474T>G, p.Leu825Ter (NM_001395691.1); c.1358T>G, p.Leu453Ter (NM_001395697.1); short protein forms L1014*, L453*, L825*, L879*, L920*.
Identifiers: ClinVar variation 4686639 (VCV004686639.1).
Genomic context (GRCh38, chr14:95,105,730, plus strand): 5'-CTCATTACCTGTTTATTCTGCAGACTTTCCCATTTGGCTTTCCTCTTCTCAGCACTGCTT[A>C]AAGGAAGCGCTTTCCCCTTCTGATTCAAATGTCGAGGTGTCAAAAGATTAAGTCTGTAAG-3'

ClinVar aggregate classification (germline): Likely pathogenic (1 of 4 stars; one submission).

Conditions:
DICER1-related tumor predisposition. Also called: DICER1-related pleuropulmonary blastoma cancer predisposition syndrome; DICER1 syndrome. Identifiers: Orphanet 284343, MedGen C3839822, MONDO:0100216.

Submission:

Unidad de Genómica Garrahan, Hospital de Pediatría Garrahan
Classification: Likely pathogenic for DICER1-related tumor predisposition. Last evaluated: 2025-12-01. Review status: criteria provided, single submitter. Criteria: Hatton et al. (Hum Mutat. 2023). Collection method: clinical testing. Allele origin: germline. Affected: yes.
Comment: This sequence alteration creates a premature translational stop signal in the DICER1 gene. It is expected to result in an absent or disrupted protein product in a gene for which loss-of-function is a known mechanism of disease (PVS1_very strong). Based on the available evidence and following the ClinGen DICER1 and miRNA-Processing Gene Expert Panel Specifications to the ACMG/AMP Variant Interpretation Guidelines for DICER1 (PMID: 38084291) this alteration is classified as likely pathogenic.